The following is an entry in ClinVar:

NM_000532.5(PCCB):c.1552del (p.Asp518fs)

Gene: PCCB (propionyl-CoA carboxylase subunit beta; plus strand). Cytogenetic location: 3q22.3.
Variant type: Deletion.
Coding change: c.1552del on transcript NM_000532.5 (MANE Select); coding-DNA position 1552, one base deleted (G; older notation c.1552delG).
Protein change: p.Asp518fs; shifts the reading frame from aspartic acid 518.
Molecular consequence: frameshift variant.
Genome position (GRCh38, 1-based): chr3:136,329,958, G deleted. VCF-style (leftmost placement, unchanged base first): chr3-136329957-TG-T. GRCh37 (hg19) VCF-style: chr3-136048799-TG-T.
Other names: c.1612del, p.Asp538fs (NM_001178014.2); short protein forms D518fs, D538fs.
Identifiers: ClinVar variation 4723682 (VCV004723682.1).

ClinVar aggregate classification (germline): Pathogenic (1 of 4 stars; one submission).

Conditions:
Propionic acidemia (PROP). Also called: GLYCINEMIA, KETOTIC; HYPERGLYCINEMIA WITH KETOACIDOSIS AND LEUKOPENIA; KETOTIC HYPERGLYCINEMIA. Identifiers: Orphanet 35, MedGen C0268579, MONDO:0011628, OMIM 606054, HP:0003571.

Submission:

Labcorp Genetics (formerly Invitae), Labcorp
Classification: Pathogenic for Propionic acidemia. Last evaluated: 2025-07-27. Review status: criteria provided, single submitter. Criteria: Invitae Variant Classification Sherloc (09022015). Collection method: clinical testing. Allele origin: germline.
Comment: This sequence change is expected to alter the c-terminus of the PCCB protein (p.Asp518Thrfs*33). While this is not anticipated to result in nonsense mediated decay, it is expected to disrupt the last 22 amino acid(s) of the PCCB protein and extend the protein by 10 additional amino acid residues. This variant is not present in population databases (gnomAD no frequency). This variant has not been reported in the literature in individuals affected with PCCB-related conditions. This variant disrupts a region of the PCCB protein in which other variant(s) (p.Asn536Asp) have been determined to be pathogenic (PMID: 12757933, 12888983, 22033733, 23053474, 28649556, 30013935). This suggests that this is a clinically significant region of the protein, and that variants that disrupt it are likely to be disease-causing. For these reasons, this variant has been classified as Pathogenic.

Literature cited by the submitters: PubMed 12757933; PubMed 12888983; PubMed 22033733; PubMed 23053474; PubMed 28649556; PubMed 30013935.